The following is an entry in ClinVar:

NM_000350.3(ABCA4):c.1480A>G (p.Met494Val)

Gene: ABCA4 (ATP binding cassette subfamily A member 4; minus strand). Cytogenetic location: 1p22.1.
Variant type: single nucleotide variant.
Coding change: c.1480A>G on transcript NM_000350.3 (MANE Select); coding-DNA position 1480, A replaced by G.
Protein change: p.Met494Val; replaces methionine 494 with valine.
Molecular consequence: missense variant.
Genome position (GRCh38, 1-based): chr1:94,077,764, T>C on the plus strand (A>G on the coding strand, the complement: ABCA4 is on the minus strand). VCF-style: chr1-94077764-T-C. GRCh37 (hg19) VCF-style: chr1-94543320-T-C.
Other names: c.1480A>G, p.Met494Val (NM_001425324.1); short protein forms M494V.
Identifiers: ClinVar variation 943762 (VCV000943762.7), dbSNP rs377135053, ClinGen allele CA958518.

ClinVar aggregate classification (germline): Uncertain significance. Review status: criteria provided, multiple submitters, no conflicts (2 of 4 stars). 3 submissions from 3 submitters: Uncertain significance (3). Last evaluated 2025-08-08.

Conditions:
Inborn genetic diseases. Identifiers: MedGen C0950123, MeSH D030342.

Allele frequency attached by ClinVar (database versions not stated): gnomAD 0.00002 and 0.00004; ExAC 0.00004; gnomAD exomes 0.00006 and 0.00009; TOPMed 0.00006; ESP Exome Variant Server 0.00015.
gnomAD v4.1: 143 of 1,614,070 alleles (0.0089%); highest among the groups gnomAD compares: Non-Finnish European, 0.012%; no homozygotes.

Submissions (3):

Ambry Genetics
Classification: Uncertain significance for Inborn genetic diseases. Last evaluated: 2025-08-08. Review status: criteria provided, single submitter. Criteria: Ambry Variant Classification Scheme 2023. Collection method: clinical testing. Allele origin: germline.

Blueprint Genetics
Classification: Uncertain significance. Last evaluated: 2024-01-24. Review status: criteria provided, single submitter. Criteria: ACMG Guidelines, 2015. Collection method: clinical testing. Allele origin: germline.

Labcorp Genetics (formerly Invitae), Labcorp
Classification: Uncertain significance. Last evaluated: 2022-05-15. Review status: criteria provided, single submitter. Criteria: Invitae Variant Classification Sherloc (09022015). Collection method: clinical testing. Allele origin: germline.
Comment: This sequence change replaces methionine, which is neutral and non-polar, with valine, which is neutral and non-polar, at codon 494 of the ABCA4 protein (p.Met494Val). This variant is present in population databases (rs377135053, gnomAD 0.01%). This variant has not been reported in the literature in individuals affected with ABCA4-related conditions. ClinVar contains an entry for this variant (Variation ID: 943762). Advanced modeling of protein sequence and biophysical properties (such as structural, functional, and spatial information, amino acid conservation, physicochemical variation, residue mobility, and thermodynamic stability) performed at Invitae indicates that this missense variant is not expected to disrupt ABCA4 protein function. In summary, the available evidence is currently insufficient to determine the role of this variant in disease. Therefore, it has been classified as a Variant of Uncertain Significance.